The following is an entry in ClinVar:

ClinVar aggregate classification (germline): Uncertain significance. Review status: criteria provided, multiple submitters, no conflicts (2 of 4 stars). 3 submissions from 3 submitters: Uncertain significance (3). Last evaluated 2026-01-08.

Conditions:
Dilated cardiomyopathy 1DD (CMD1DD). Identifiers: Orphanet 154, MedGen C2750995, MONDO:0013168, OMIM 613172.

Allele frequency attached by ClinVar (database versions not stated): TOPMed 0.00001.
gnomAD v4.1: 3 of 1,551,606 alleles (0.00019%); highest among the groups gnomAD compares: African/African-American, 0.0041%; no homozygotes.

Submissions (3):

Women's Health and Genetics/Laboratory Corporation of America, LabCorp
Classification: Uncertain significance. Last evaluated: 2026-01-08. Review status: criteria provided, single submitter. Criteria: LabCorp Variant Classification Summary - May 2015. Collection method: clinical testing. Allele origin: germline.
Comment: Variant summary: RBM20 c.530C>G (p.Thr177Arg) results in a non-conservative amino acid change in the encoded protein sequence. Algorithms developed to predict the effect of missense changes on protein structure and function are either unavailable or do not agree on the potential impact of this missense change. The variant was absent in 156040 control chromosomes. The available data on variant occurrences in the general population are insufficient to allow any conclusion about variant significance. c.530C>G has been observed in individual(s) affected with Cardiomyopathy (Parikh_2019). These report(s) do not provide unequivocal conclusions about association of the variant with Dilated Cardiomyopathy. To our knowledge, no experimental evidence demonstrating an impact on protein function has been reported. The following publication has been ascertained in the context of this evaluation (PMID: 30871351). ClinVar contains an entry for this variant (Variation ID: 44023). Based on the evidence outlined above, the variant was classified as uncertain significance.

Labcorp Genetics (formerly Invitae), Labcorp
Classification: Uncertain significance for Dilated cardiomyopathy 1DD. Last evaluated: 2017-10-05. Review status: criteria provided, single submitter. Criteria: Invitae Variant Classification Sherloc (09022015). Collection method: clinical testing. Allele origin: germline.
Comment: This sequence change replaces threonine with arginine at codon 177 of the RBM20 protein (p.Thr177Arg). The threonine residue is weakly conserved and there is a moderate physicochemical difference between threonine and arginine. In summary, this variant is a rare missense change with uncertain impact on protein function. It has been classified as a Variant of Uncertain Significance. Algorithms developed to predict the effect of missense changes on protein structure and function do not agree on the potential impact of this missense change (SIFT: "Not Scored"; PolyPhen-2: "Possibly Damaging"; Align-GVGD: "Class C0"). While this variant is not present in population databases (rs183130427), the frequency information is unreliable, as metrics indicate poor data quality at this position in the ExAC database. This variant has not been reported in the literature in individuals with a RBM20-related disease. ClinVar contains an entry for this variant (Variation ID: 44023).

Laboratory for Molecular Medicine, Mass General Brigham Personalized Medicine
Classification: Uncertain significance. Last evaluated: 2013-01-22. Review status: criteria provided, single submitter. Criteria: LMM Criteria. Collection method: clinical testing. Allele origin: germline. Observed: 1 variant allele.
Comment: Variant classified as Uncertain Significance - Favor Benign. Coverage at this position from the NHLBI E xome Sequencing Project was insufficient to determine the frequency of this variant in large European American and African A merican populations. Threonine (Thr) at position 117 is not conserved in mammals and additional computational analyses (biochemical amino acid properties, Align GVGD, and PolyPhen2) suggest that this variant may not impact the protein, thoug h this information is not predictive enough to rule out pathogenicity. Finally, another variant at this position (Thr177Ile) has been identified in an African p opulation by the 1000 Genomes project, raising the possibility that changes at t his position may be tolerated. Although this data supports that the Thr177Arg va riant may be benign, additional studies are needed to fully assess its clinical significance.

Literature cited by the submitters: PubMed 30871351 (cited by Women's Health and Genetics/Laboratory Corporation of America, LabCorp).

NM_001134363.3(RBM20):c.530C>G (p.Thr177Arg)

Gene: RBM20 (RNA binding motif protein 20; plus strand). Cytogenetic location: 10q25.2.
Variant type: single nucleotide variant.
Coding change: c.530C>G on transcript NM_001134363.3 (MANE Select); coding-DNA position 530, C replaced by G.
Protein change: p.Thr177Arg; replaces threonine 177 with arginine.
Molecular consequence: missense variant.
Genome position (GRCh38, 1-based): chr10:110,781,139, C>G. VCF-style: chr10-110781139-C-G. GRCh37 (hg19) VCF-style: chr10-112540897-C-G.
Other names: short protein forms T177R.
Identifiers: ClinVar variation 44023 (VCV000044023.15), dbSNP rs183130427, ClinGen allele CA133405.
Genomic context (GRCh38, chr10:110,781,139, plus strand): 5'-CAGCCATACCCAGTACCCGGTTTCCCTCTAATGCAATTGCCTTTTCACCCCCCAGCCAGA[C>G]ACGAGGCCCCGGACCCTCCATGAACCTTCCCAACCAGCCACCCAGTGCCATGGTGATGCA-3'
Protein context (NP_001127835.2, residues 167-187): NAIAFSPPSQ[Thr177Arg]RGPGPSMNLP